The following is an entry in ClinVar:

ClinVar aggregate classification (germline): Pathogenic (1 of 4 stars; one submission).

Conditions:
ZTTK syndrome (ZTTKS). Also called: Zhu-Tokita-Takenouchi-Kim Syndrome; ZTTK MULTIPLE CONGENITAL ANOMALIES-MENTAL RETARDATION SYNDROME. Identifiers: Orphanet 500150, MedGen C4310696, MONDO:0014936, OMIM 617140.

Submission:

New York Genome Center
Classification: Pathogenic for ZTTK syndrome. Last evaluated: 2023-05-19. Review status: criteria provided, single submitter. Criteria: NYGC Assertion Criteria 2020. Collection method: clinical testing. Allele origin: de novo. Affected: yes. Observed: 1 variant allele, 1 heterozygote.
Comment: The heterozygous variant in SON has not previously been reported in the literature or public variant repositories (ClinVar andLOVD) and is absent from population databases (gnomAD v2.1.1 and v3.1.2, TOPMed Freeze 8, All of Us), suggesting it is not a common benign variant in the populations represented in those databases. The c.2138_2142del variant in SON is located in exon 3 of this 12-exon gene, predicted to incorporate a prematuretermination codon p.(Ser713TyrfsTer5), and is expected to result in loss-of-function via nonsense mediated decay. Multiple loss-of-function variants that are downstream to c.2138_2142del variant have been reported in the literature [PMID: 27545680, 34521999] and ClinVar [ClinVar IDs: # 1802578 and #252929] in individuals with SON-associated ZTTK syndrome. Based on available evidence this heterozygous c.2138_2142del p.(Ser713TyrfsTer5) variant identified in SON is classified as Pathogenic.

NM_138927.4(SON):c.2138_2142del (p.Ser713fs)

Gene: SON (SON DNA and RNA binding protein; plus strand). Cytogenetic location: 21q22.11.
Variant type: Deletion.
Coding change: c.2138_2142del on transcript NM_138927.4 (MANE Select); coding-DNA positions 2138 to 2142, 5 bases deleted (CCCAT; older notation c.2138_2142delCCCAT).
Protein change: p.Ser713fs; shifts the reading frame from serine 713.
Molecular consequence: frameshift variant. On other transcripts: non-coding transcript variant (1), intron variant (1).
Genome position (GRCh38, 1-based): chr21:33,551,369-33,551,373, CCCAT deleted; deleting any 5 consecutive bases within chr21:33,551,367-33,551,373 gives the same sequence; the c. name uses the placement nearest the transcript's 3' end. VCF-style (leftmost placement, unchanged base first): chr21-33551366-AATCCC-A. GRCh37 (hg19) VCF-style: chr21-34923672-AATCCC-A.
Other names: c.2138_2142del, p.Ser713fs (NM_001291411.2, NM_032195.3); c.244+4990_244+4994del (NM_001291412.3); c.2138_2142del (NM_138927.3); short protein forms S713fs.
Identifiers: ClinVar variation 4888336 (VCV004888336.1).
Genomic context (GRCh38, chr21:33,551,366, plus strand): 5'-CTACTACATTAGTGGGGGAGACTTCTGTAACAGTAGGAGTGGATCCCTTGATGGCCCCAG[AATCCC>A]ATATATTAGCTTCTAACACCATGGAGACCCATATATTAGCATCCAACACCATGGACTCCC-3'